The following is an entry in ClinVar:

NM_003079.5(SMARCE1):c.860C>G (p.Ala287Gly)

Gene: SMARCE1 (SWI/SNF related BAF chromatin remodeling complex subunit E1; minus strand). Cytogenetic location: 17q21.2.
Variant type: single nucleotide variant.
Coding change: c.860C>G on transcript NM_003079.5 (MANE Select); coding-DNA position 860, C replaced by G.
Protein change: p.Ala287Gly; replaces alanine 287 with glycine.
Molecular consequence: missense variant.
Genome position (GRCh38, 1-based): chr17:40,630,881, G>C on the plus strand (C>G on the coding strand, the complement: SMARCE1 is on the minus strand). VCF-style: chr17-40630881-G-C. GRCh37 (hg19) VCF-style: chr17-38787133-G-C.
Other names: short protein forms A287G.
Identifiers: ClinVar variation 1002641 (VCV001002641.10), dbSNP rs201158885, ClinGen allele CA8545147.

ClinVar aggregate classification (germline): Conflicting classifications of pathogenicity. Review status: criteria provided, conflicting classifications (1 of 4 stars). 3 submissions from 3 submitters: Uncertain significance (2); Likely benign (1). Last evaluated 2025-09-30.

Conditions:
Hereditary cancer-predisposing syndrome. Also called: Neoplastic Syndromes, Hereditary; Tumor predisposition; Hereditary Cancer Syndrome; Hereditary neoplastic syndrome. Identifiers: Orphanet 140162, MedGen C0027672, MeSH D009386, MONDO:0015356.
Familial meningioma. Also called: Meningioma, familial, susceptibility to. Identifiers: Orphanet 263662, MedGen C3551915, MONDO:0011789, OMIM 607174.

Allele frequency attached by ClinVar (database versions not stated): ExAC 0.00001; gnomAD exomes 0.00001; TOPMed 0.00001; gnomAD 0.00002 and 0.00003; 1000 Genomes Project 0.00020; 1000 Genomes Project 30x 0.00031.
gnomAD v4.1: 7 of 1,613,656 alleles (0.00043%); highest among the groups gnomAD compares: Admixed American, 0.0083%; no homozygotes.

Submissions (3):

Labcorp Genetics (formerly Invitae), Labcorp
Classification: Uncertain significance for Familial meningioma. Last evaluated: 2025-09-30. Review status: criteria provided, single submitter. Criteria: Invitae Variant Classification Sherloc (09022015). Collection method: clinical testing. Allele origin: germline.
Comment: This sequence change replaces alanine, which is neutral and non-polar, with glycine, which is neutral and non-polar, at codon 287 of the SMARCE1 protein (p.Ala287Gly). This variant is present in population databases (rs201158885, gnomAD 0.009%). This variant has not been reported in the literature in individuals affected with SMARCE1-related conditions. ClinVar contains an entry for this variant (Variation ID: 1002641). Invitae Evidence Modeling of protein sequence and biophysical properties (such as structural, functional, and spatial information, amino acid conservation, physicochemical variation, residue mobility, and thermodynamic stability) indicates that this missense variant is expected to disrupt SMARCE1 protein function with a positive predictive value of 80%. In summary, the available evidence is currently insufficient to determine the role of this variant in disease. Therefore, it has been classified as a Variant of Uncertain Significance.

GeneDx
Classification: Uncertain significance. Last evaluated: 2022-06-03. Review status: criteria provided, single submitter. Criteria: GeneDx Variant Classification Process June 2021. Collection method: clinical testing. Allele origin: germline. Affected: yes.
Comment: In silico analysis supports that this missense variant does not alter protein structure/function; Has not been previously published as pathogenic or benign to our knowledge

Ambry Genetics
Classification: Likely benign for Hereditary cancer-predisposing syndrome. Last evaluated: 2022-06-01. Review status: criteria provided, single submitter. Criteria: Ambry Variant Classification Scheme 2023. Collection method: clinical testing. Allele origin: germline.